The following is an entry in ClinVar:

NM_005236.3(ERCC4):c.938T>C (p.Leu313Pro)

Gene: ERCC4 (ERCC excision repair 4, endonuclease catalytic subunit; plus strand). Cytogenetic location: 16p13.12.
Variant type: single nucleotide variant.
Coding change: c.938T>C on transcript NM_005236.3 (MANE Select); coding-DNA position 938, T replaced by C.
Protein change: p.Leu313Pro; replaces leucine 313 with proline.
Molecular consequence: missense variant.
Genome position (GRCh38, 1-based): chr16:13,930,855, T>C. VCF-style: chr16-13930855-T-C. GRCh37 (hg19) VCF-style: chr16-14024712-T-C.
Other names: short protein forms L313P.
Identifiers: ClinVar variation 134146 (VCV000134146.6), dbSNP rs150244523, ClinGen allele CA158900.

ClinVar aggregate classification (germline): Uncertain significance. Review status: criteria provided, multiple submitters, no conflicts (2 of 4 stars). 4 submissions from 4 submitters: Uncertain significance (3). 1 of the submissions does not count toward it. Last evaluated 2025-02-05.

Conditions:
Xeroderma pigmentosum, group F (XPF). Also called: ERCC4-Related Xeroderma Pigmentosum; XERODERMA PIGMENTOSUM, TYPE F; Xeroderma pigmentosum, type 6; XP, GROUP F; XERODERMA PIGMENTOSUM VI; XERODERMA PIGMENTOSUM, COMPLEMENTATION GROUP F. Identifiers: MedGen C0268140, MONDO:0010215, OMIM 278760.
Fanconi anemia complementation group Q. Identifiers: Orphanet 84, MedGen C3808988, MONDO:0014108, OMIM 615272.
Cockayne syndrome. Identifiers: Orphanet 191, MedGen C0009207, MONDO:0016006.

Allele frequency attached by ClinVar (database versions not stated): gnomAD exomes 0.00003; gnomAD 0.00005; TOPMed 0.00005; ESP Exome Variant Server 0.00008; 1000 Genomes Project 0.00020; 1000 Genomes Project 30x 0.00031; ExAC 0.00003.

Submissions (4):

St. Jude Molecular Pathology, St. Jude Children's Research Hospital
Classification: Uncertain significance for Xeroderma pigmentosum, group F. Last evaluated: 2025-02-05. Review status: criteria provided, single submitter. Criteria: St. Jude Assertion Criteria 2020. Collection method: clinical testing. Allele origin: germline.
Comment: The ERCC4 c.938T>C (p.Leu313Pro) missense change has a maximum subpopulation frequency of 0.006% in gnomAD v2.1.1. The in silico tool REVEL predicts a deleterious effect on protein function, but to our knowledge this prediction has not been confirmed by functional studies. To our knowledge, this variant has not been reported in individuals with Fanconi anemia or Xeroderma pigmentosum. In summary, the evidence currently available is insufficient to determine the clinical significance of this variant. It has therefore been classified as of uncertain significance.

Labcorp Genetics (formerly Invitae), Labcorp
Classification: Uncertain significance for Fanconi anemia complementation group Q; Xeroderma pigmentosum, group F; Cockayne syndrome. Last evaluated: 2024-11-22. Review status: criteria provided, single submitter. Criteria: Invitae Variant Classification Sherloc (09022015). Collection method: clinical testing. Allele origin: germline.
Comment: This sequence change replaces leucine, which is neutral and non-polar, with proline, which is neutral and non-polar, at codon 313 of the ERCC4 protein (p.Leu313Pro). This variant is present in population databases (rs150244523, gnomAD 0.004%). This variant has not been reported in the literature in individuals affected with ERCC4-related conditions. ClinVar contains an entry for this variant (Variation ID: 134146). Invitae Evidence Modeling of protein sequence and biophysical properties (such as structural, functional, and spatial information, amino acid conservation, physicochemical variation, residue mobility, and thermodynamic stability) indicates that this missense variant is expected to disrupt ERCC4 protein function with a positive predictive value of 80%. In summary, the available evidence is currently insufficient to determine the role of this variant in disease. Therefore, it has been classified as a Variant of Uncertain Significance.

Institute for Clinical Genetics, University Hospital TU Dresden, University Hospital TU Dresden
Classification: Uncertain significance. Last evaluated: 2021-11-03. Review status: criteria provided, single submitter. Criteria: ACMG Guidelines, 2015. Collection method: clinical testing. Allele origin: germline.

ITMI
No classification provided. Condition: AllHighlyPenetrant. Last evaluated: 2013-09-19. Review status: no classification provided. Collection method: reference population. Allele origin: germline. Not counted in ClinVar's aggregate classification.
Comment: Please see associated publication for description of ethnicities

Literature cited by the submitters: PubMed 24728327 (cited by ITMI).